The following is an entry in ClinVar:

ClinVar aggregate classification (germline): Likely pathogenic (1 of 4 stars; one submission).

Conditions:
SIM1-related disorder. Also called: SIM1-related disorders; SIM1-related condition.

Submission:

PreventionGenetics, part of Exact Sciences
Classification: Likely pathogenic for SIM1-related condition. Last evaluated: 2024-12-17. Review status: criteria provided, single submitter. Criteria: ACMG Guidelines, 2015. Collection method: clinical testing. Allele origin: germline.
Comment: The SIM1 c.449delT variant is predicted to result in a frameshift and premature protein termination (p.Phe150Serfs*13). To our knowledge, this variant has not been reported in the literature or in a large population database (gnomAD), indicating this variant is rare. Frameshift variants in SIM1 are expected to be pathogenic. This variant is interpreted as likely pathogenic.

NM_005068.3(SIM1):c.449del (p.Phe150fs)

Gene: SIM1 (SIM bHLH transcription factor 1; minus strand). Cytogenetic location: 6q16.3.
Variant type: Deletion.
Coding change: c.449del on transcript NM_005068.3 (MANE Select); coding-DNA position 449, one base deleted (T; older notation c.449delT).
Protein change: p.Phe150fs; shifts the reading frame from phenylalanine 150.
Molecular consequence: frameshift variant.
Genome position (GRCh38, 1-based): chr6:100,449,599, A deleted on the plus strand (T on the coding strand, the reverse complement: SIM1 is on the minus strand); the first of 2 consecutive A bases (chr6:100,449,599-100,449,600); deleting either gives the same sequence. VCF-style (leftmost placement, unchanged base first): chr6-100449598-GA-G. GRCh37 (hg19) VCF-style: chr6-100897474-GA-G.
Other names: c.449del, p.Phe150fs (NM_001374769.1); short protein forms F150fs.
Identifiers: ClinVar variation 5002222 (VCV005002222.1).
Genomic context (GRCh38, chr6:100,449,598, plus strand): 5'-ACCACAAGCGGACTGCGATGGGCCTGAGCGTCGCAGGCATGTGTCTACCTTACCCTGCAC[GA>G]AGTGAGAGTGGTAGGGTTGATGGGCGGTGAGCACCGCCGTCATCTCGTCGTGGTCTGCCG-3'